The following is an entry in ClinVar:

ClinVar aggregate classification (germline): Uncertain significance (1 of 4 stars; one submission).

Conditions:
Inborn genetic diseases. Identifiers: MedGen C0950123, MeSH D030342.

Submission:

Ambry Genetics
Classification: Uncertain significance for Inborn genetic diseases. Last evaluated: 2024-01-28. Review status: criteria provided, single submitter. Criteria: Ambry Variant Classification Scheme 2023. Collection method: clinical testing. Allele origin: germline.
Comment: The p.R2413K variant (also known as c.7238G>A), located in coding exon 49 of the LRRK2 gene, results from a G to A substitution at nucleotide position 7238. The arginine at codon 2413 is replaced by lysine, an amino acid with highly similar properties. This amino acid position is conserved. In addition, the in silico prediction for this alteration is inconclusive. Based on the available evidence, the clinical significance of this alteration remains unclear.

NM_198578.4(LRRK2):c.7238G>A (p.Arg2413Lys)

Gene: LRRK2 (leucine rich repeat kinase 2; plus strand). Cytogenetic location: 12q12.
Variant type: single nucleotide variant.
Coding change: c.7238G>A on transcript NM_198578.4 (MANE Select); coding-DNA position 7238, G replaced by A.
Protein change: p.Arg2413Lys; replaces arginine 2413 with lysine.
Molecular consequence: missense variant.
Genome position (GRCh38, 1-based): chr12:40,364,898, G>A. VCF-style: chr12-40364898-G-A. GRCh37 (hg19) VCF-style: chr12-40758700-G-A.
Other names: short protein forms R2413K.
Identifiers: ClinVar variation 3229780 (VCV003229780.1), dbSNP rs2500037467, ClinGen allele CA384414712.